The following is an entry in ClinVar:

NM_001458.5(FLNC):c.849T>C (p.Pro283=)

Gene: FLNC (filamin C; plus strand). Cytogenetic location: 7q32.1.
Variant type: single nucleotide variant.
Coding change: c.849T>C on transcript NM_001458.5 (MANE Select); coding-DNA position 849, T replaced by C.
Protein change: p.Pro283=; no amino-acid change (proline 283 retained).
Molecular consequence: synonymous variant.
Genome position (GRCh38, 1-based): chr7:128,837,547, T>C. VCF-style: chr7-128837547-T-C. GRCh37 (hg19) VCF-style: chr7-128477601-T-C.
Other names: c.849T>C, p.Pro283= (NM_001127487.2).
Identifiers: ClinVar variation 2931583 (VCV002931583.3), dbSNP rs2536618554, ClinGen allele CA457846479.

ClinVar aggregate classification (germline): Uncertain significance (1 of 4 stars; one submission).

Conditions:
Hypertrophic cardiomyopathy 26. Also called: Cardiomyopathy, familial hypertrophic, 26. Identifiers: Orphanet 75249, MedGen C4310749, MONDO:0014883, OMIM 617047.
Myofibrillar myopathy 5. Also called: Filaminopathy (type); FILAMINOPATHY, AUTOSOMAL DOMINANT. Identifiers: Orphanet 171445, MedGen C1836050, MONDO:0012289, OMIM 609524.
Distal myopathy with posterior leg and anterior hand involvement. Also called: WILLIAMS DISTAL MYOPATHY. Identifiers: Orphanet 63273, MedGen C3279722, MONDO:0013550, OMIM 614065.

gnomAD v4.1: 1 of 1,614,082 alleles (0.000062%); highest among the groups gnomAD compares: South Asian, 0.0011%; no homozygotes.

Submission:

Labcorp Genetics (formerly Invitae), Labcorp
Classification: Uncertain significance for Distal myopathy with posterior leg and anterior hand involvement; Myofibrillar myopathy 5; Hypertrophic cardiomyopathy 26. Last evaluated: 2023-09-19. Review status: criteria provided, single submitter. Criteria: Invitae Variant Classification Sherloc (09022015). Collection method: clinical testing. Allele origin: germline.
Comment: This variant is not present in population databases (gnomAD no frequency). This variant has not been reported in the literature in individuals affected with FLNC-related conditions. Algorithms developed to predict the effect of sequence changes on RNA splicing suggest that this variant is not likely to affect RNA splicing. In summary, the available evidence is currently insufficient to determine the role of this variant in disease. Therefore, it has been classified as a Variant of Uncertain Significance. This sequence change affects codon 283 of the FLNC mRNA. It is a 'silent' change, meaning that it does not change the encoded amino acid sequence of the FLNC protein. It affects a nucleotide within the consensus splice site.